The following is an entry in ClinVar:

ClinVar aggregate classification (germline): Uncertain significance. Review status: criteria provided, single submitter (1 of 4 stars). 2 submissions from 2 submitters: Uncertain significance (1). 1 of the submissions does not count toward it. Last evaluated 2025-08-30.

Conditions:
Inborn genetic diseases. Identifiers: MedGen C0950123, MeSH D030342.
CRELD1-related disorder. Also called: CRELD1-related condition.

gnomAD v4.1: 33 of 1,613,724 alleles (0.002%); highest among the groups gnomAD compares: Non-Finnish European, 0.0026%; no homozygotes.

Submissions (2):

Ambry Genetics
Classification: Uncertain significance for Inborn genetic diseases. Last evaluated: 2025-08-30. Review status: criteria provided, single submitter. Criteria: Ambry Variant Classification Scheme 2023. Collection method: clinical testing. Allele origin: germline.

PreventionGenetics, part of Exact Sciences
Classification: Uncertain significance for CRELD1-related condition. Last evaluated: 2024-05-29. Review status: no assertion criteria provided. Collection method: clinical testing. Allele origin: germline. Not counted in ClinVar's aggregate classification.
Comment: The CRELD1 c.8C>T variant is predicted to result in the amino acid substitution p.Pro3Leu. To our knowledge, this variant has not been reported in the literature. This variant is reported in 0.0054% of alleles in individuals of East Asian descent in gnomAD. At this time, the clinical significance of this variant is uncertain due to the absence of conclusive functional and genetic evidence.

NM_001077415.3(CRELD1):c.8C>T (p.Pro3Leu)

Gene: CRELD1 (CRELD disulfide isomerase 1; plus strand). Cytogenetic location: 3p25.3.
Variant type: single nucleotide variant.
Coding change: c.8C>T on transcript NM_001077415.3 (MANE Select); coding-DNA position 8, C replaced by T.
Protein change: p.Pro3Leu; replaces proline 3 with leucine.
Molecular consequence: missense variant. On other transcripts: non-coding transcript variant (3).
Genome position (GRCh38, 1-based): chr3:9,934,446, C>T. VCF-style: chr3-9934446-C-T. GRCh37 (hg19) VCF-style: chr3-9976130-C-T.
Other names: c.8C>T, p.Pro3Leu (NM_001031717.4, NM_001374316.1, NM_001374317.1 and 5 more transcripts); short protein forms P3L.
Identifiers: ClinVar variation 3351109 (VCV003351109.2).